The following is an entry in ClinVar:

ClinVar aggregate classification (germline): Likely benign (1 of 4 stars; one submission).

Conditions:
PCSK1-related disorder. Also called: PCSK1-related condition.

gnomAD v4.1: 2 of 1,603,134 alleles (0.00012%); highest among the groups gnomAD compares: Middle Eastern, 0.033%; no homozygotes.

Submission:

PreventionGenetics, part of Exact Sciences
Classification: Likely benign for PCSK1-related condition. Last evaluated: 2025-06-13. Review status: criteria provided, single submitter. Criteria: ACMG Guidelines, 2015. Collection method: clinical testing. Allele origin: germline.
Comment: This variant is classified as likely benign based on ACMG/AMP sequence variant interpretation guidelines (Richards et al. 2015 PMID: 25741868, with internal and published modifications).

NM_000439.5(PCSK1):c.243G>A (p.Arg81=)

Genes: PCSK1 (proprotein convertase subtilisin/kexin type 1; minus strand), CAST (calpastatin; plus strand), LOC101929710 (uncharacterized LOC101929710; plus strand). Cytogenetic location: 5q15.
Variant type: single nucleotide variant.
Coding change: c.243G>A on transcript NM_000439.5 (MANE Select); coding-DNA position 243, G replaced by A.
Protein change: p.Arg81=; no amino-acid change (arginine 81 retained).
Molecular consequence: synonymous variant. On other transcripts: intron variant (11).
Genome position (GRCh38, 1-based): chr5:96,429,255, C>T on the plus strand (G>A on the coding strand, the complement: PCSK1 is on the minus strand). VCF-style: chr5-96429255-C-T. GRCh37 (hg19) VCF-style: chr5-95764959-C-T.
Other names: c.102G>A, p.Arg34= (NM_001177875.2); c.-175+49603C>T (NM_001423254.1, NM_001423259.1, NM_001423255.1 and 6 more transcripts); c.-103+49603C>T (NM_001423253.1); c.-40+49603C>T (NM_001423258.1).
Identifiers: ClinVar variation 4998200 (VCV004998200.1).